The following is an entry in ClinVar:

NM_001042492.3(NF1):c.8381T>G (p.Ile2794Ser)

Gene: NF1 (neurofibromin 1; plus strand). Cytogenetic location: 17q11.2.
Variant type: single nucleotide variant.
Coding change: c.8381T>G on transcript NM_001042492.3 (MANE Select); coding-DNA position 8381, T replaced by G.
Protein change: p.Ile2794Ser; replaces isoleucine 2794 with serine.
Molecular consequence: missense variant.
Genome position (GRCh38, 1-based): chr17:31,374,016, T>G. VCF-style: chr17-31374016-T-G. GRCh37 (hg19) VCF-style: chr17-29701034-T-G.
Other names: c.8318T>G, p.Ile2773Ser (NM_000267.4); short protein forms I2794S, I2773S.
Identifiers: ClinVar variation 2858114 (VCV002858114.3), dbSNP rs2151601235, ClinGen allele CA399205852.

ClinVar aggregate classification (germline): Uncertain significance (1 of 4 stars; one submission).

Conditions:
Neurofibromatosis, type 1 (NF1). Also called: VON RECKLINGHAUSEN DISEASE; Neurofibromatosis, type I; Peripheral type neurofibromatosis; NEUROFIBROMATOSIS, TYPE I, SOMATIC. Identifiers: Orphanet 636, MedGen C0027831, MONDO:0018975, OMIM 162200. Disease mechanism: loss of function.

Submission:

Labcorp Genetics (formerly Invitae), Labcorp
Classification: Uncertain significance for Neurofibromatosis, type 1. Last evaluated: 2023-04-22. Review status: criteria provided, single submitter. Criteria: Invitae Variant Classification Sherloc (09022015). Collection method: clinical testing. Allele origin: germline.
Comment: This sequence change replaces isoleucine, which is neutral and non-polar, with serine, which is neutral and polar, at codon 2773 of the NF1 protein (p.Ile2773Ser). This variant is not present in population databases (gnomAD no frequency). This variant has not been reported in the literature in individuals affected with NF1-related conditions. Advanced modeling of protein sequence and biophysical properties (such as structural, functional, and spatial information, amino acid conservation, physicochemical variation, residue mobility, and thermodynamic stability) performed at Invitae indicates that this missense variant is not expected to disrupt NF1 protein function. In summary, the available evidence is currently insufficient to determine the role of this variant in disease. Therefore, it has been classified as a Variant of Uncertain Significance.